The following is an entry in ClinVar:

ClinVar aggregate classification (germline): Uncertain significance. Review status: criteria provided, multiple submitters, no conflicts (2 of 4 stars). 2 submissions from 2 submitters: Uncertain significance (2). Last evaluated 2025-08-30.

Conditions:
Inborn genetic diseases. Identifiers: MedGen C0950123, MeSH D030342.

Submissions (2):

Ambry Genetics
Classification: Uncertain significance for Inborn genetic diseases. Last evaluated: 2025-08-30. Review status: criteria provided, single submitter. Criteria: Ambry Variant Classification Scheme 2023. Collection method: clinical testing. Allele origin: germline.

GeneDx
Classification: Uncertain significance. Last evaluated: 2025-02-21. Review status: criteria provided, single submitter. Criteria: GeneDx Variant Classification Process June 2021. Collection method: clinical testing. Allele origin: germline. Affected: yes.
Comment: Not observed at significant frequency in large population cohorts (gnomAD); In silico analysis indicates that this missense variant does not alter protein structure/function; Has not been previously published as pathogenic or benign to our knowledge

NM_015215.4(CAMTA1):c.1595T>C (p.Ile532Thr)

Gene: CAMTA1 (calmodulin binding transcription activator 1; plus strand). Cytogenetic location: 1p36.23.
Variant type: single nucleotide variant.
Coding change: c.1595T>C on transcript NM_015215.4 (MANE Select); coding-DNA position 1595, T replaced by C.
Protein change: p.Ile532Thr; replaces isoleucine 532 with threonine.
Molecular consequence: missense variant.
Genome position (GRCh38, 1-based): chr1:7,664,142, T>C. VCF-style: chr1-7664142-T-C. GRCh37 (hg19) VCF-style: chr1-7724202-T-C.
Other names: c.1595T>C (NM_015215.2); c.1505T>C, p.Ile502Thr (NM_001349608.2, NM_001349612.2); c.1595T>C, p.Ile532Thr (NM_001349609.2, NM_001349610.2, NM_001410737.1); c.1523T>C, p.Ile508Thr (NM_001410738.1); short protein forms I502T, I508T, I532T.
Identifiers: ClinVar variation 4076910 (VCV004076910.2).